The following is an entry in ClinVar:

NM_001009944.3(PKD1):c.12004-36C>G

Gene: PKD1 (polycystin 1, transient receptor potential channel interacting; minus strand). Cytogenetic location: 16p13.3.
Variant type: single nucleotide variant.
Coding change: c.12004-36C>G on transcript NM_001009944.3 (MANE Select); 36 bases into the intron before coding-DNA position 12004, C replaced by G.
Molecular consequence: intron variant.
Genome position (GRCh38, 1-based): chr16:2,090,844, G>C on the plus strand (C>G on the coding strand, the complement: PKD1 is on the minus strand). VCF-style: chr16-2090844-G-C. GRCh37 (hg19) VCF-style: chr16-2140845-G-C.
Other names: c.12001-36C>G (NM_000296.4).
Identifiers: ClinVar variation 3054226 (VCV003054226.2), dbSNP rs376170375, ClinGen allele CA718966797.

ClinVar aggregate classification (germline): Likely benign (0 of 4 stars; one submission).

Conditions:
PKD1-related disorder. Also called: PKD1-related condition.

gnomAD v4.1: 19 of 1,610,380 alleles (0.0012%); highest among the groups gnomAD compares: Non-Finnish European, 0.0014%; no homozygotes.

Submission:

PreventionGenetics, part of Exact Sciences
Classification: Likely benign for PKD1-related condition. Last evaluated: 2023-09-06. Review status: no assertion criteria provided. Collection method: clinical testing. Allele origin: germline.
Comment: This variant is classified as likely benign based on ACMG/AMP sequence variant interpretation guidelines (Richards et al. 2015 PMID: 25741868, with internal and published modifications).